The following is an entry in ClinVar:

NM_000530.8(MPZ):c.585-2A>G

Gene: MPZ (myelin protein zero; minus strand). Cytogenetic location: 1q23.3.
Variant type: single nucleotide variant.
Coding change: c.585-2A>G on transcript NM_000530.8 (MANE Select); the canonical splice acceptor site of the intron before coding-DNA position 585, A replaced by G.
Molecular consequence: splice acceptor variant.
Genome position (GRCh38, 1-based): chr1:161,306,170, T>C on the plus strand (A>G on the coding strand, the complement: MPZ is on the minus strand). VCF-style: chr1-161306170-T-C. GRCh37 (hg19) VCF-style: chr1-161275960-T-C.
Other names: c.585-2A>G (NM_001315491.2).
Identifiers: ClinVar variation 1710076 (VCV001710076.2), dbSNP rs1553259536, ClinGen allele CA343345062.

ClinVar aggregate classification (germline): Likely pathogenic (1 of 4 stars; one submission).

Conditions:
Charcot-Marie-Tooth disease type 1B. Also called: Charcot-Marie-Tooth disease, demyelinating, type 1b; Hereditary motor and sensory neuropathy 1B; Charcot-Marie-Tooth disease, type IB; CHARCOT-MARIE-TOOTH DISEASE, AUTOSOMAL DOMINANT, WITH FOCALLY FOLDED MYELIN SHEATHS, TYPE 1B; CHARCOT-MARIE-TOOTH DISEASE, SLOW NERVE CONDUCTION TYPE, LINKED TO DUFFY; CHARCOT-MARIE-TOOTH NEUROPATHY, TYPE 1B. Identifiers: Orphanet 101082, MedGen C0270912, MONDO:0007307, OMIM 118200.

Submission:

MGZ Medical Genetics Center
Classification: Likely pathogenic for Charcot-Marie-Tooth disease type 1B. Last evaluated: 2021-11-15. Review status: criteria provided, single submitter. Criteria: ACMG Guidelines, 2015. Collection method: clinical testing. Allele origin: germline. Affected: yes. Observed: 1 variant allele.
Comment: ACMG criteria applied: PVS1, PM2_SUP